The following is an entry in ClinVar:

ClinVar aggregate classification (germline): Benign/Likely benign. Review status: criteria provided, multiple submitters, no conflicts (2 of 4 stars). 4 submissions from 4 submitters: Benign (1); Likely benign (3). Last evaluated 2025-07-30.

Conditions:
ADGRV1-related disorder. Also called: ADGRV1-related condition; ADGRV1-related disorders.

Allele frequency attached by ClinVar (database versions not stated): ESP Exome Variant Server 0.00008; TOPMed 0.00008; 1000 Genomes Project 0.00020; gnomAD exomes 0.00020; ExAC 0.00030; 1000 Genomes Project 30x 0.00031; gnomAD 0.00032 and 0.00034.
gnomAD v4.1: 267 of 1,600,996 alleles (0.017%); highest among the groups gnomAD compares: African/African-American, 0.012%; 1 homozygote.

Submissions (4):

PreventionGenetics, part of Exact Sciences
Classification: Likely benign for ADGRV1-related condition. Last evaluated: 2025-07-30. Review status: criteria provided, single submitter. Criteria: ACMG Guidelines, 2015. Collection method: clinical testing. Allele origin: germline.
Comment: This variant is classified as likely benign based on ACMG/AMP sequence variant interpretation guidelines (Richards et al. 2015 PMID: 25741868, with internal and published modifications).

Labcorp Genetics (formerly Invitae), Labcorp
Classification: Benign. Last evaluated: 2025-01-27. Review status: criteria provided, single submitter. Criteria: Invitae Variant Classification Sherloc (09022015). Collection method: clinical testing. Allele origin: germline.

Blueprint Genetics
Classification: Likely benign. Last evaluated: 2024-06-21. Review status: criteria provided, single submitter. Criteria: ACMG Guidelines, 2015. Collection method: clinical testing. Allele origin: germline.

Laboratory for Molecular Medicine, Mass General Brigham Personalized Medicine
Classification: Likely benign. Last evaluated: 2012-04-30. Review status: criteria provided, single submitter. Criteria: LMM Criteria. Collection method: clinical testing. Allele origin: germline. Observed: 1 variant allele.
Comment: Ala3854Ala in Exon 55 of GPR98: This variant is not expected to have clinical si gnificance because it does not alter an amino acid residue, is not located withi n the splice consensus sequence, and has been identified in 1/2990 African Ameri can chromosomes from a broad population by the NHLBI Exome Sequencing Project.

NM_032119.4(ADGRV1):c.11562C>T (p.Ala3854=)

Gene: ADGRV1 (adhesion G protein-coupled receptor V1; plus strand). Cytogenetic location: 5q14.3.
Variant type: single nucleotide variant.
Coding change: c.11562C>T on transcript NM_032119.4 (MANE Select); coding-DNA position 11562, C replaced by T.
Protein change: p.Ala3854=; no amino-acid change (alanine 3854 retained).
Molecular consequence: synonymous variant. On other transcripts: non-coding transcript variant (1).
Genome position (GRCh38, 1-based): chr5:90,755,167, C>T. VCF-style: chr5-90755167-C-T. GRCh37 (hg19) VCF-style: chr5-90050984-C-T.
Identifiers: ClinVar variation 163599 (VCV000163599.17), dbSNP rs182115637, ClinGen allele CA176220.